The following is an entry in ClinVar:

ClinVar aggregate classification (germline): Pathogenic (1 of 4 stars; one submission).

Conditions:
Spastic paraplegia. Identifiers: MedGen C0037772, HP:0001258.

Submission:

Labcorp Genetics (formerly Invitae), Labcorp
Classification: Pathogenic for Spastic paraplegia. Last evaluated: 2021-11-04. Review status: criteria provided, single submitter. Criteria: Invitae Variant Classification Sherloc (09022015). Collection method: clinical testing. Allele origin: germline.
Comment: This sequence change creates a premature translational stop signal (p.Leu2282*) in the SACS gene. While this is not anticipated to result in nonsense mediated decay, it is expected to disrupt the last 2298 amino acid(s) of the SACS protein. For these reasons, this variant has been classified as Pathogenic. This variant disrupts a region of the SACS protein in which other variant(s) (p.Tyr4538*) have been determined to be pathogenic (Invitae). This suggests that this is a clinically significant region of the protein, and that variants that disrupt it are likely to be disease-causing. This variant has not been reported in the literature in individuals affected with SACS-related conditions. This variant is not present in population databases (gnomAD no frequency).

NM_014363.6(SACS):c.6845T>A (p.Leu2282Ter)

Gene: SACS (sacsin molecular chaperone; minus strand). Cytogenetic location: 13q12.12.
Variant type: single nucleotide variant.
Coding change: c.6845T>A on transcript NM_014363.6 (MANE Select); coding-DNA position 6845, T replaced by A.
Protein change: p.Leu2282Ter; replaces leucine 2282 with a stop codon.
Molecular consequence: nonsense.
Genome position (GRCh38, 1-based): chr13:23,337,031, A>T on the plus strand (T>A on the coding strand, the complement: SACS is on the minus strand). VCF-style: chr13-23337031-A-T. GRCh37 (hg19) VCF-style: chr13-23911170-A-T.
Other names: c.6404T>A, p.Leu2135Ter (NM_001278055.2); short protein forms L2135*, L2282*.
Identifiers: ClinVar variation 1436961 (VCV001436961.6), dbSNP rs2137606000, ClinGen allele CA387520620.